The following is an entry in ClinVar:

NM_013382.7(POMT2):c.1537A>G (p.Asn513Asp)

Gene: POMT2 (protein O-mannosyltransferase 2; minus strand). Cytogenetic location: 14q24.3.
Variant type: single nucleotide variant.
Coding change: c.1537A>G on transcript NM_013382.7 (MANE Select); coding-DNA position 1537, A replaced by G.
Protein change: p.Asn513Asp; replaces asparagine 513 with aspartic acid.
Molecular consequence: missense variant.
Genome position (GRCh38, 1-based): chr14:77,284,989, T>C on the plus strand (A>G on the coding strand, the complement: POMT2 is on the minus strand). VCF-style: chr14-77284989-T-C. GRCh37 (hg19) VCF-style: chr14-77751332-T-C.
Other names: short protein forms N513D.
Identifiers: ClinVar variation 211949 (VCV000211949.36), dbSNP rs117173425, ClinGen allele CA208767.

ClinVar aggregate classification (germline): Benign/Likely benign. Review status: criteria provided, multiple submitters, no conflicts (2 of 4 stars). 8 submissions from 8 submitters: Benign (3); Likely benign (3). 2 of the submissions do not count toward it. Last evaluated 2026-02-04.

Conditions:
Muscular dystrophy-dystroglycanopathy (congenital with brain and eye anomalies), type A2. Also called: MUSCULAR DYSTROPHY-DYSTROGLYCANOPATHY (CONGENITAL WITH BRAIN AND EYE ANOMALIES), TYPE A, 2; WALKER-WARBURG SYNDROME OR MUSCLE-EYE-BRAIN DISEASE, POMT2-RELATED. Identifiers: Orphanet 588, Orphanet 899, MedGen C3150411, MONDO:0013154, OMIM 613150.
Muscular dystrophy-dystroglycanopathy (congenital with impaired intellectual development), type B, 2. Also called: Muscular dystrophy-dystroglycanopathy (congenital with intellectual disability), type B2; MUSCULAR DYSTROPHY, CONGENITAL, POMT2-RELATED. Identifiers: MedGen C3150416, MONDO:0013160, OMIM 613156.
Autosomal recessive limb-girdle muscular dystrophy type 2N. Also called: Muscular dystrophy-dystroglycanopathy (limb-girdle), type C, 2; MUSCULAR DYSTROPHY-DYSTROGLYCANOPATHY, LIMB-GIRDLE, POMT2-RELATED. Identifiers: Orphanet 206559, MedGen C3150418, MONDO:0013162, OMIM 613158.

Allele frequency attached by ClinVar (database versions not stated): gnomAD exomes 0.00030 and 0.00142; gnomAD 0.00056 and 0.00073; TOPMed 0.00082; ExAC 0.00149; 1000 Genomes Project 0.00419; 1000 Genomes Project 30x 0.00437.
gnomAD v4.1: 655 of 1,613,580 alleles (0.041%); highest among the groups gnomAD compares: East Asian, 1%; 9 homozygotes.

Submissions (8):

Labcorp Genetics (formerly Invitae), Labcorp
Classification: Benign for Muscular dystrophy-dystroglycanopathy (congenital with impaired intellectual development), type B, 2; Muscular dystrophy-dystroglycanopathy (congenital with brain and eye anomalies), type A2; Autosomal recessive limb-girdle muscular dystrophy type 2N. Last evaluated: 2026-02-04. Review status: criteria provided, single submitter. Criteria: Invitae Variant Classification Sherloc (09022015). Collection method: clinical testing. Allele origin: germline.

CeGaT Center for Human Genetics Tuebingen
Classification: Likely benign. Last evaluated: 2025-11-01. Review status: criteria provided, single submitter. Criteria: CeGaT Center For Human Genetics Tuebingen Variant Classification Criteria Version 2. Collection method: clinical testing. Allele origin: germline. Affected: yes. Observed: 2 variant alleles.
Comment: POMT2: BP4, BS1

Genetic Services Laboratory, University of Chicago
Classification: Benign. Last evaluated: 2021-08-31. Review status: criteria provided, single submitter. Criteria: ACMG Guidelines, 2015. Collection method: clinical testing. Allele origin: germline. Affected: no.

Illumina Laboratory Services, Illumina
Classification: Likely benign for Autosomal recessive limb-girdle muscular dystrophy type 2N. Last evaluated: 2017-04-27. Review status: criteria provided, single submitter. Criteria: ICSL Variant Classification Criteria 13 December 2019. Collection method: clinical testing. Allele origin: germline.
Comment: This variant was observed as part of a predisposition screen in an ostensibly healthy population. A literature search was performed for the gene, cDNA change, and amino acid change (where applicable). No publications were found based on this search. Allele frequency data from public databases allowed determination this variant is unlikely to cause disease. Therefore, this variant is classified as likely benign.

GeneDx
Classification: Benign. Last evaluated: 2017-01-04. Review status: criteria provided, single submitter. Criteria: GeneDx Variant Classification (06012015). Collection method: clinical testing. Allele origin: germline. Affected: yes.
Comment: This variant is considered likely benign or benign based on one or more of the following criteria: it is a conservative change, it occurs at a poorly conserved position in the protein, it is predicted to be benign by multiple in silico algorithms, and/or has population frequency not consistent with disease.

Eurofins Ntd Llc (ga)
Classification: Likely benign. Last evaluated: 2016-01-04. Review status: criteria provided, single submitter. Criteria: EGL Classification Definitions 2015. Collection method: clinical testing. Allele origin: germline. Observed: 2 variant alleles, 1 heterozygote.

Clinical Genetics DNA and cytogenetics Diagnostics Lab, Erasmus MC, Erasmus Medical Center
Classification: Likely benign. Review status: no assertion criteria provided. Collection method: clinical testing. Allele origin: germline. Affected: yes. Study: VKGL Data-share Consensus. Not counted in ClinVar's aggregate classification.

Genome Diagnostics Laboratory, University Medical Center Utrecht
Classification: Likely benign. Review status: no assertion criteria provided. Collection method: clinical testing. Allele origin: germline. Affected: yes. Study: VKGL Data-share Consensus. Not counted in ClinVar's aggregate classification.